The following is an entry in ClinVar:

ClinVar aggregate classification (germline): Uncertain significance (1 of 4 stars; one submission).

Conditions:
Intellectual developmental disorder, autosomal dominant 30, with speech delay and behavioral abnormalities. Also called: Intellectual disability, autosomal dominant 30. Identifiers: Orphanet 436151, MedGen C4015167, MONDO:0014486, OMIM 616083.

Submission:

MGZ Medical Genetics Center
Classification: Uncertain significance for Intellectual developmental disorder, autosomal dominant 30, with speech delay and behavioral abnormalities. Last evaluated: 2021-08-30. Review status: criteria provided, single submitter. Criteria: ACMG Guidelines, 2015. Collection method: clinical testing. Allele origin: germline. Affected: yes. Observed: 1 variant allele.
Comment: ACMG criteria applied: PS2, PM2_SUP

NM_001370100.5(ZMYND11):c.753+5T>C

Gene: ZMYND11 (zinc finger MYND-type containing 11; plus strand). Cytogenetic location: 10p15.3.
Variant type: single nucleotide variant.
Coding change: c.753+5T>C on transcript NM_001370100.5 (MANE Select); 5 bases into the intron after coding-DNA position 753, T replaced by C.
Molecular consequence: intron variant.
Genome position (GRCh38, 1-based): chr10:240,116, T>C. VCF-style: chr10-240116-T-C. GRCh37 (hg19) VCF-style: chr10-286056-T-C.
Other names: c.591+5T>C (NM_001370103.2, NM_001370104.2, NM_001370105.2 and 6 more transcripts); c.753+5T>C (NM_006624.7, NM_001370119.2, NM_001370098.2 and 6 more transcripts); c.633+5T>C (NM_001370118.2); c.660+5T>C (NM_001370113.2, NM_001370114.2); c.702+5T>C (NM_001330057.3, NM_001370112.2); c.750+5T>C (NM_001370115.2, NM_212479.4); c.588+5T>C (NM_001202466.3, NM_001370111.2); c.448-777T>C (NM_001370122.2); and 6 more.
Identifiers: ClinVar variation 1709905 (VCV001709905.2), dbSNP rs2539851428, ClinGen allele CA2580081292.